The following is an entry in ClinVar:

ClinVar aggregate classification (germline): Likely benign. Review status: criteria provided, multiple submitters, no conflicts (2 of 4 stars). 4 submissions from 4 submitters: Likely benign (3). 1 of the submissions does not count toward it. Last evaluated 2025-01-11.

Conditions:
DNAH5-related disorder. Also called: DNAH5-related condition.
Primary ciliary dyskinesia. Also called: Ciliary dyskinesia. Identifiers: Orphanet 244, MedGen C0008780, MONDO:0016575, HP:0012265.

Allele frequency attached by ClinVar (database versions not stated): gnomAD exomes below 0.00001.
gnomAD v4.1: 9 of 1,614,108 alleles (0.00056%); highest among the groups gnomAD compares: African/African-American, 0.0067%; no homozygotes.

Submissions (4):

Labcorp Genetics (formerly Invitae), Labcorp
Classification: Likely benign for Primary ciliary dyskinesia. Last evaluated: 2025-01-11. Review status: criteria provided, single submitter. Criteria: Invitae Variant Classification Sherloc (09022015). Collection method: clinical testing. Allele origin: germline.

Blueprint Genetics
Classification: Likely benign. Last evaluated: 2022-07-26. Review status: criteria provided, single submitter. Criteria: ACMG Guidelines, 2015. Collection method: clinical testing. Allele origin: germline.

Breakthrough Genomics
Classification: Likely benign. Review status: criteria provided, single submitter. Criteria: ACMG Guidelines, 2015. Collection method: not provided. Allele origin: germline. Inheritance: Autosomal recessive inheritance. Affected: yes.

PreventionGenetics, part of Exact Sciences
Classification: Likely benign for DNAH5-related condition. Last evaluated: 2020-02-26. Review status: no assertion criteria provided. Collection method: clinical testing. Allele origin: germline. Not counted in ClinVar's aggregate classification.
Comment: This variant is classified as likely benign based on ACMG/AMP sequence variant interpretation guidelines (Richards et al. 2015 PMID: 25741868, with internal and published modifications).

NM_001369.3(DNAH5):c.10443A>T (p.Arg3481=)

Gene: DNAH5 (dynein axonemal heavy chain 5; minus strand). Cytogenetic location: 5p15.2.
Variant type: single nucleotide variant.
Coding change: c.10443A>T on transcript NM_001369.3 (MANE Select); coding-DNA position 10443, A replaced by T.
Protein change: p.Arg3481=; no amino-acid change (arginine 3481 retained).
Molecular consequence: synonymous variant.
Genome position (GRCh38, 1-based): chr5:13,754,315, T>A on the plus strand (A>T on the coding strand, the complement: DNAH5 is on the minus strand). VCF-style: chr5-13754315-T-A. GRCh37 (hg19) VCF-style: chr5-13754424-T-A.
Identifiers: ClinVar variation 454725 (VCV000454725.15), dbSNP rs1554035381, ClinGen allele CA443250077.